The following continues an entry in ClinVar:

NM_001370259.2(MEN1):c.1252G>A (p.Asp418Asn)

Gene: MEN1. ClinVar aggregate classification (germline): Pathogenic. Pathogenic (13).

Submissions 11 to 14 of 14:

ARUP Laboratories, Molecular Genetics and Genomics, ARUP Laboratories
Classification: Pathogenic. Last evaluated: 2021-10-20. Review status: criteria provided, single submitter. Criteria: ARUP Molecular Germline Variant Investigation Process 2021. Collection method: clinical testing. Allele origin: germline.
Comment: The MEN1 c.1252G>A; p.Asp418Asn variant (rs104894264) is reported in the literature in multiple individuals and families affected with multiple endocrine neoplasia type 1 syndrome (Basset 1998, Goroshi 2016, Kytola 2001, Verges 2002). Functional analyses show the variant protein is unstable and is rapidly degraded by the ubiquitin-proteasome pathway (Shimazu 2011, Yaguchi 2004). This variant is reported in ClinVar (Variation ID: 16703), and is absent from the Genome Aggregation Database, indicating it is not a common polymorphism. The aspartic acid at codon 418 is highly conserved, and computational analyses predict that this variant is deleterious (REVEL: 0.891). Based on available information, this variant is considered to be pathogenic. References: Bassett JH et al. Characterization of mutations in patients with multiple endocrine neoplasia type 1. Am J Hum Genet. 1998 Feb;62(2):232-44. PMID: 9463336. Goroshi M et al. Multiple endocrine neoplasia type 1 syndrome: single centre experience from western India. Fam Cancer. 2016 Oct;15(4):617-24. PMID: 26905068. Kytola S et al. Founder effect in multiple endocrine neoplasia type 1 (MEN 1) in Finland. J Med Genet. 2001 Mar;38(3):185-9. PMID: 11303512. Shimazu S et al. Correlation of mutant menin stability with clinical expression of multiple endocrine neoplasia type 1 and its incomplete forms. Cancer Sci. 2011 Nov;102(11):2097-102. PMID: 21819486. Verges B et al. Pituitary disease in MEN type 1 (MEN1): data from the France-Belgium MEN1 multicenter study. J Clin Endocrinol Metab. 2002 Feb;87(2):457-65. PMID: 11836268. Yaguchi H et al. Menin missense mutants associated with multiple endocrine neoplasia type 1 are rapidly degraded via the ubiquitin-proteasome pathway. Mol Cell Biol. 2004 Aug;24(15):6569-80. PMID: 15254225.

Clinical Genetics and Genomics, Karolinska University Hospital
Classification: Pathogenic. Last evaluated: 2017-02-15. Review status: criteria provided, single submitter. Criteria: ACMG Guidelines, 2015. Collection method: clinical testing. Allele origin: germline. Affected: yes. Observed: 1 variant allele.

Laboratory for Molecular Medicine, Mass General Brigham Personalized Medicine
Classification: Pathogenic for Multiple endocrine neoplasia, type 1. Last evaluated: 2016-09-13. Review status: criteria provided, single submitter. Criteria: LMM Criteria. Collection method: clinical testing. Allele origin: germline. Inheritance: Autosomal dominant inheritance. Observed: 3 variant alleles.
Comment: The p.Asp423Asn variant in MEN1 has been reported in least 4 individuals with ME N1 and segregated with disease in at least 8 relatives from 1 family (Turner 200 2, Vierimaa 2007, Crepin 2003). It was also absent from large population studies . In vitro functional studies provide some evidence that the p.Asp423Asn variant may impact protein function (Shimazu 2011, Yaguchi 2004). In summary, this vari ant meets criteria to be classified as pathogenic for MEN1 in an autosomal domin ant manner based upon segregation studies, absence from controls, and functional evidence studies.

OMIM
Classification: Pathogenic for MULTIPLE ENDOCRINE NEOPLASIA, TYPE I. Last evaluated: 2002-06-01. Review status: no assertion criteria provided. Collection method: literature only. Allele origin: germline. Not counted in ClinVar's aggregate classification.

Literature cited by the submitters: PubMed 21819486 (cited by 6 submitters); PubMed 15254225 (cited by 6 submitters); PubMed 11303512 (cited by 4 submitters); PubMed 29097378 (cited by 3 submitters); PubMed 30339208 (cited by Myriad Genetics, Inc.); PubMed 26905068 (cited by 3 submitters); PubMed 28870973 (cited by Myriad Genetics, Inc. and Athena Diagnostics); PubMed 17766710 (cited by 5 submitters); PubMed 16430712 (cited by Center for Genomic Medicine, Rigshospitalet, Copenhagen University Hospital and Women's Health and Genetics/Laboratory Corporation of America, LabCorp); PubMed 14985373 (cited by Women's Health and Genetics/Laboratory Corporation of America, LabCorp); PubMed 9215689 (cited by Women's Health and Genetics/Laboratory Corporation of America, LabCorp); PubMed 9463336 (cited by 3 submitters); PubMed 9683585 (cited by Women's Health and Genetics/Laboratory Corporation of America, LabCorp and Athena Diagnostics); PubMed 10762295 (cited by 3 submitters); PubMed 9241276 (cited by Women's Health and Genetics/Laboratory Corporation of America, LabCorp and Athena Diagnostics); PubMed 9709921 (cited by Women's Health and Genetics/Laboratory Corporation of America, LabCorp and Athena Diagnostics); PubMed 12112656 (cited by 3 submitters); PubMed 12652570 (cited by 4 submitters); PubMed 12050235 (cited by 5 submitters); PubMed 10730900 (cited by Women's Health and Genetics/Laboratory Corporation of America, LabCorp and Athena Diagnostics); PubMed 15044367 (cited by Women's Health and Genetics/Laboratory Corporation of America, LabCorp and Athena Diagnostics); PubMed 11836268 (cited by Labcorp Genetics (formerly Invitae), Labcorp and Athena Diagnostics); PubMed 29036195 (cited by Athena Diagnostics and Ambry Genetics); PubMed 24183932 (cited by Athena Diagnostics); PubMed 25309785 (cited by Athena Diagnostics); PubMed 31142320 (cited by Athena Diagnostics).